The following is an entry in ClinVar:

ClinVar aggregate classification (germline): Uncertain significance (1 of 4 stars; one submission).

Submission:

GeneDx
Classification: Uncertain significance. Last evaluated: 2025-08-07. Review status: criteria provided, single submitter. Criteria: GeneDx Variant Classification Process June 2021. Collection method: clinical testing. Allele origin: germline. Affected: yes.
Comment: Not observed at significant frequency in large population cohorts (gnomAD); In-frame duplication of 8 amino acid(s) in a non-repeat region; Has not been previously published as pathogenic or benign to our knowledge

NM_000217.3(KCNA1):c.182_205dup (p.Lys68_Arg69insProLeuLeuGlyAsnProLysLys)

Gene: KCNA1 (potassium voltage-gated channel subfamily A member 1; plus strand). Cytogenetic location: 12p13.32.
Variant type: Duplication.
Coding change: c.182_205dup on transcript NM_000217.3 (MANE Select); coding-DNA positions 182 to 205, 24 bases duplicated (CGCTGCTGGGCAACCCTAAGAAAC).
Protein change: p.Lys68_Arg69insProLeuLeuGlyAsnProLysLys.
Molecular consequence: inframe insertion.
Genome position (GRCh38, 1-based): chr12:4,911,560-4,911,583, CGCTGCTGGGCAACCCTAAGAAAC duplicated. VCF-style (leftmost placement, unchanged base first): chr12-4911559-A-ACGCTGCTGGGCAACCCTAAGAAAC. GRCh37 (hg19) VCF-style: chr12-5020725-A-ACGCTGCTGGGCAACCCTAAGAAAC.
Identifiers: ClinVar variation 4756003 (VCV004756003.1).